The following is an entry in ClinVar:

NM_015335.5(MED13L):c.4190C>T (p.Ser1397Leu)

Gene: MED13L (mediator complex subunit 13L; minus strand). Cytogenetic location: 12q24.21.
Variant type: single nucleotide variant.
Coding change: c.4190C>T on transcript NM_015335.5 (MANE Select); coding-DNA position 4190, C replaced by T.
Protein change: p.Ser1397Leu; replaces serine 1397 with leucine.
Molecular consequence: missense variant.
Genome position (GRCh38, 1-based): chr12:115,986,414, G>A on the plus strand (C>T on the coding strand, the complement: MED13L is on the minus strand). VCF-style: chr12-115986414-G-A. GRCh37 (hg19) VCF-style: chr12-116424219-G-A.
Other names: short protein forms S1397L.
Identifiers: ClinVar variation 1315224 (VCV001315224.6), dbSNP rs2137287209, ClinGen allele CA386884646.
Genomic context (GRCh38, chr12:115,986,414, plus strand): 5'-TCACGGTGGCCCCCATATGGGTCCAACAAGAGCCTCTCCCAAAACGGCAAGGAGAATGGC[G>A]AGATGGTGAGGAAATCCTTGTCATAGCCTACCAGCAGAGTGGGGATGGGCAACGGCTCAG-3'
Protein context (NP_056150.1, residues 1387-1407): VGYDKDFLTI[Ser1397Leu]PFSLPFWERL

ClinVar aggregate classification (germline): Uncertain significance. Review status: criteria provided, multiple submitters, no conflicts (2 of 4 stars). 2 submissions from 2 submitters: Uncertain significance (2). Last evaluated 2026-01-31.

Conditions:
Cardiac anomalies - developmental delay - facial dysmorphism syndrome (MRFACD). Also called: Impaired intellectual development and distinctive facial features with or without cardiac defects; MED13L Syndrome. Identifiers: Orphanet 369891, MedGen C5192431, MONDO:0014773, OMIM 616789.

Submissions (2):

GeneDx
Classification: Uncertain significance. Last evaluated: 2026-01-31. Review status: criteria provided, single submitter. Criteria: GeneDx Variant Classification Process June 2021. Collection method: clinical testing. Allele origin: germline. Affected: yes.
Comment: Not observed at significant frequency in large population cohorts (gnomAD); In silico analysis supports that this missense variant has a deleterious effect on protein structure/function; Has not been previously published as pathogenic or benign to our knowledge

Baylor Genetics
Classification: Uncertain significance for Cardiac anomalies - developmental delay - facial dysmorphism syndrome. Last evaluated: 2022-08-05. Review status: criteria provided, single submitter. Criteria: ACMG Guidelines, 2015. Collection method: clinical testing. Allele origin: unknown.